The following is an entry in ClinVar:

ClinVar aggregate classification (germline): Uncertain significance (1 of 4 stars; one submission).

Allele frequency attached by ClinVar (database versions not stated): TOPMed 0.00003; gnomAD exomes 0.00004; ExAC 0.00012; gnomAD 0.00003.
gnomAD v4.1: 27 of 1,593,814 alleles (0.0017%); highest among the groups gnomAD compares: Admixed American, 0.012%; no homozygotes.

Submission:

Labcorp Genetics (formerly Invitae), Labcorp
Classification: Uncertain significance. Last evaluated: 2021-11-06. Review status: criteria provided, single submitter. Criteria: Invitae Variant Classification Sherloc (09022015). Collection method: clinical testing. Allele origin: germline.
Comment: This variant has not been reported in the literature in individuals affected with MPLKIP-related conditions. In summary, the available evidence is currently insufficient to determine the role of this variant in disease. Therefore, it has been classified as a Variant of Uncertain Significance. Algorithms developed to predict the effect of missense changes on protein structure and function are either unavailable or do not agree on the potential impact of this missense change (SIFT: "Tolerated"; PolyPhen-2: "Not Available"; Align-GVGD: "Class C15"). This variant is present in population databases (rs768815647, gnomAD 0.02%). This sequence change replaces proline, which is neutral and non-polar, with leucine, which is neutral and non-polar, at codon 11 of the MPLKIP protein (p.Pro11Leu).

NM_138701.4(MPLKIP):c.32C>T (p.Pro11Leu)

Gene: MPLKIP (M-phase specific PLK1 interacting protein; minus strand). Cytogenetic location: 7p14.1.
Variant type: single nucleotide variant.
Coding change: c.32C>T on transcript NM_138701.4 (MANE Select); coding-DNA position 32, C replaced by T.
Protein change: p.Pro11Leu; replaces proline 11 with leucine.
Molecular consequence: missense variant.
Genome position (GRCh38, 1-based): chr7:40,134,536, G>A on the plus strand (C>T on the coding strand, the complement: MPLKIP is on the minus strand). VCF-style: chr7-40134536-G-A. GRCh37 (hg19) VCF-style: chr7-40174135-G-A.
Other names: short protein forms P11L.
Identifiers: ClinVar variation 1424122 (VCV001424122.4), dbSNP rs768815647, ClinGen allele CA4229258.
Genomic context (GRCh38, chr7:40,134,536, plus strand): 5'-GGGGTTCCCCGGAAGCTGCTTCCGCTACCCCAACCTCCTCCACCCGGACCAGGGTAAGGA[G>A]GAGTTGGGGGCCGAAAATTCTGTCGCTGCATATCAGGAGCCAAAGCCGAAAACCTCGCAG-3'
Protein context (NP_619646.1, residues 1-21): MQRQNFRPPT[Pro11Leu]PYPGPGGGGW